The following is an entry in ClinVar:

NM_005445.4(SMC3):c.273C>G (p.Ile91Met)

Gene: SMC3 (structural maintenance of chromosomes 3; plus strand). Cytogenetic location: 10q25.2.
Variant type: single nucleotide variant.
Coding change: c.273C>G on transcript NM_005445.4 (MANE Select); coding-DNA position 273, C replaced by G.
Protein change: p.Ile91Met; replaces isoleucine 91 with methionine.
Molecular consequence: missense variant.
Genome position (GRCh38, 1-based): chr10:110,577,837, C>G. VCF-style: chr10-110577837-C-G. GRCh37 (hg19) VCF-style: chr10-112337595-C-G.
Other names: short protein forms I91M.
Identifiers: ClinVar variation 3343670 (VCV003343670.1).
Genomic context (GRCh38, chr10:110,577,837, plus strand): 5'-TTAAAAAGTTTTCTCCTTTACTATTAAATTAACTGTGGGCTTTTACATTTTTTCTTAGAT[C>G]GATAAAGAGGAAGTTTCACTTCGAAGAGTTATTGGTGCCAAAAAGGATCAGTATTTCTTA-3'
Protein context (NP_005436.1, residues 81-101): IFDNSDNRLP[Ile91Met]DKEEVSLRRV

ClinVar aggregate classification (germline): Uncertain significance (1 of 4 stars; one submission).

Submission:

GeneDx
Classification: Uncertain significance. Last evaluated: 2023-05-22. Review status: criteria provided, single submitter. Criteria: GeneDx Variant Classification Process June 2021. Collection method: clinical testing. Allele origin: germline. Affected: yes.
Comment: Not observed at significant frequency in large population cohorts (gnomAD); In silico analysis supports that this missense variant does not alter protein structure/function; Has not been previously published as pathogenic or benign to our knowledge